The following is an entry in ClinVar:

ClinVar aggregate classification (germline): Likely benign. Review status: criteria provided, multiple submitters, no conflicts (2 of 4 stars). 2 submissions from 2 submitters: Likely benign (2). Last evaluated 2024-05-21.

Conditions:
Fanconi anemia (FA). Also called: Fanconi's anemia. Identifiers: Orphanet 84, MedGen C0015625, MeSH D005199, MONDO:0019391.

Allele frequency attached by ClinVar (database versions not stated): TOPMed 0.00001.
gnomAD v4.1: 11 of 1,492,140 alleles (0.00074%); highest among the groups gnomAD compares: Non-Finnish European, 0.00093%; no homozygotes.

Submissions (2):

Labcorp Genetics (formerly Invitae), Labcorp
Classification: Likely benign for Fanconi anemia. Last evaluated: 2024-05-21. Review status: criteria provided, single submitter. Criteria: Invitae Variant Classification Sherloc (09022015). Collection method: clinical testing. Allele origin: germline.

GeneDx
Classification: Likely benign. Last evaluated: 2017-10-12. Review status: criteria provided, single submitter. Criteria: GeneDx Variant Classification (06012015). Collection method: clinical testing. Allele origin: germline. Affected: yes.
Comment: This variant is considered likely benign or benign based on one or more of the following criteria: it is a conservative change, it occurs at a poorly conserved position in the protein, it is predicted to be benign by multiple in silico algorithms, and/or has population frequency not consistent with disease.

NM_000136.3(FANCC):c.-65C>G

Gene: FANCC (FA complementation group C; minus strand). Cytogenetic location: 9q22.32.
Variant type: single nucleotide variant.
Coding change: c.-65C>G on transcript NM_000136.3 (MANE Select); 65 bases upstream of the start codon, C replaced by G.
Molecular consequence: 5 prime UTR variant.
Genome position (GRCh38, 1-based): chr9:95,249,356, G>C on the plus strand (C>G on the coding strand, the complement: FANCC is on the minus strand). VCF-style: chr9-95249356-G-C. GRCh37 (hg19) VCF-style: chr9-98011638-G-C.
Other names: c.-65C>G (NM_001243743.2, NM_001243744.2).
Identifiers: ClinVar variation 512730 (VCV000512730.8), dbSNP rs371725430, ClinGen allele CA658797230.